The following is an entry in ClinVar:

NM_000138.5(FBN1):c.5596A>C (p.Ile1866Leu)

Gene: FBN1 (fibrillin 1; minus strand). Cytogenetic location: 15q21.1.
Variant type: single nucleotide variant.
Coding change: c.5596A>C on transcript NM_000138.5 (MANE Select); coding-DNA position 5596, A replaced by C.
Protein change: p.Ile1866Leu; replaces isoleucine 1866 with leucine.
Molecular consequence: missense variant.
Genome position (GRCh38, 1-based): chr15:48,448,843, T>G on the plus strand (A>C on the coding strand, the complement: FBN1 is on the minus strand). VCF-style: chr15-48448843-T-G. GRCh37 (hg19) VCF-style: chr15-48741040-T-G.
Other names: c.5596A>C, p.Ile1866Leu (NM_001406716.1); short protein forms I1866L.
Identifiers: ClinVar variation 3902731 (VCV003902731.2).
Genomic context (GRCh38, chr15:48,448,843, plus strand): 5'-GGTCATCATTTGTTTTAAAACCAGTGTGGCAAAGGCAATAAAAGCTTCCAACTGTGTCAA[T>G]GCACTGCCCATGACTGCATATATTGGGGATTTCTTGACATTCATTACGATCTGTAAATAA-3'
Protein context (NP_000129.3, residues 1856-1876): IPNICSHGQC[Ile1866Leu]DTVGSFYCLC

ClinVar aggregate classification (germline): Uncertain significance. Review status: criteria provided, multiple submitters, no conflicts (2 of 4 stars). 2 submissions from 2 submitters: Uncertain significance (2). Last evaluated 2025-05-23.

Conditions:
Marfan syndrome (MFS). Also called: MARFAN SYNDROME, TYPE I; Marfan syndrome type 1; Marfan's syndrome; Marfan syndrome, classic; FBN1-Related Marfan Syndrome. Identifiers: Orphanet 284963, Orphanet 558, MedGen C0024796, MONDO:0007947, OMIM 154700.
Familial thoracic aortic aneurysm and aortic dissection (TAAD). Also called: Thoracic aortic aneurysms and dissections. Identifiers: Orphanet 91387, MedGen C4707243, MONDO:0019625.

gnomAD v4.1: 5 of 1,612,514 alleles (0.00031%); highest among the groups gnomAD compares: Non-Finnish European, 0.00042%; no homozygotes.

Submissions (2):

Women's Health and Genetics/Laboratory Corporation of America, LabCorp
Classification: Uncertain significance. Last evaluated: 2025-05-23. Review status: criteria provided, single submitter. Criteria: LabCorp Variant Classification Summary - May 2015. Collection method: clinical testing. Allele origin: germline.
Comment: Variant summary: FBN1 c.5596A>C (p.Ile1866Leu) results in a conservative amino acid change in the encoded protein sequence. Algorithms developed to predict the effect of missense changes on protein structure and function are either unavailable or do not agree on the potential impact of this missense change. The variant was absent in 250906 control chromosomes. The available data on variant occurrences in the general population are insufficient to allow any conclusion about variant significance. To our knowledge, no occurrence of c.5596A>C in individuals affected with Marfan Syndrome and no experimental evidence demonstrating its impact on protein function have been reported. No submitters have cited clinical-significance assessments for this variant to ClinVar. Based on the evidence outlined above, the variant was classified as uncertain significance.

Labcorp Genetics (formerly Invitae), Labcorp
Classification: Uncertain significance for Marfan syndrome; Familial thoracic aortic aneurysm and aortic dissection. Last evaluated: 2025-04-01. Review status: criteria provided, single submitter. Criteria: Invitae Variant Classification Sherloc (09022015). Collection method: clinical testing. Allele origin: germline.
Comment: This sequence change replaces isoleucine, which is neutral and non-polar, with leucine, which is neutral and non-polar, at codon 1866 of the FBN1 protein (p.Ile1866Leu). This variant is not present in population databases (gnomAD no frequency). This variant has not been reported in the literature in individuals affected with FBN1-related conditions. Invitae Evidence Modeling of protein sequence and biophysical properties (such as structural, functional, and spatial information, amino acid conservation, physicochemical variation, residue mobility, and thermodynamic stability) indicates that this missense variant is not expected to disrupt FBN1 protein function with a negative predictive value of 95%. In summary, the available evidence is currently insufficient to determine the role of this variant in disease. Therefore, it has been classified as a Variant of Uncertain Significance.